The following is an entry in ClinVar:

ClinVar aggregate classification (germline): Uncertain significance (1 of 4 stars; one submission).

Submission:

GeneDx
Classification: Uncertain significance. Last evaluated: 2022-07-20. Review status: criteria provided, single submitter. Criteria: GeneDx Variant Classification Process June 2021. Collection method: clinical testing. Allele origin: germline. Affected: yes.
Comment: Not observed at significant frequency in large population cohorts (gnomAD); In silico analysis supports that this missense variant has a deleterious effect on protein structure/function; Has not been previously published as pathogenic or benign to our knowledge

NM_000052.7(ATP7A):c.1958C>G (p.Ser653Cys)

Gene: ATP7A (ATPase copper transporting alpha; plus strand). Cytogenetic location: Xq21.1.
Variant type: single nucleotide variant.
Coding change: c.1958C>G on transcript NM_000052.7 (MANE Select); coding-DNA position 1958, C replaced by G.
Protein change: p.Ser653Cys; replaces serine 653 with cysteine.
Molecular consequence: missense variant.
Genome position (GRCh38, 1-based): chrX:78,011,460, C>G. VCF-style: chrX-78011460-C-G. GRCh37 (hg19) VCF-style: chrX-77266957-C-G.
Other names: c.1958C>G, p.Ser653Cys (NM_001282224.2); short protein forms S653C.
Identifiers: ClinVar variation 2136071 (VCV002136071.1), dbSNP rs2522349596, ClinGen allele CA413598092.
Genomic context (GRCh38, chrX:78,011,460, plus strand): 5'-TTAGCTATTTATGACCATGATTTTTCTTTTTTTATTTTTTCCATATAAGATGGAGACGGT[C>G]TTTTCTTGTGAGTCTGTTTTTCTGTATTCCTGTAATGGGGCTGATGATATATATGATGGT-3'
Protein context (NP_000043.4, residues 643-663): HKREIRQWRR[Ser653Cys]FLVSLFFCIP